The following is an entry in ClinVar:

ClinVar aggregate classification (germline): Uncertain significance (1 of 4 stars; one submission).

Submission:

Labcorp Genetics (formerly Invitae), Labcorp
Classification: Uncertain significance. Last evaluated: 2026-01-24. Review status: criteria provided, single submitter. Criteria: Invitae Variant Classification Sherloc (09022015). Collection method: clinical testing. Allele origin: germline.
Comment: This sequence change replaces valine, which is neutral and non-polar, with phenylalanine, which is neutral and non-polar, at codon 2181 of the POLE protein (p.Val2181Phe). This variant is not present in population databases (gnomAD no frequency). This variant has not been reported in the literature in individuals affected with POLE-related conditions. An algorithm developed to predict the effect of missense changes on protein structure and function (PolyPhen-2) suggests that this variant is likely to be tolerated. In summary, the available evidence is currently insufficient to determine the role of this variant in disease. Therefore, it has been classified as a Variant of Uncertain Significance.

NM_006231.4(POLE):c.6541G>T (p.Val2181Phe)

Gene: POLE (DNA polymerase epsilon, catalytic subunit; minus strand). Cytogenetic location: 12q24.33.
Variant type: single nucleotide variant.
Coding change: c.6541G>T on transcript NM_006231.4 (MANE Select); coding-DNA position 6541, G replaced by T.
Protein change: p.Val2181Phe; replaces valine 2181 with phenylalanine.
Molecular consequence: missense variant.
Genome position (GRCh38, 1-based): chr12:132,625,761, C>A on the plus strand (G>T on the coding strand, the complement: POLE is on the minus strand). VCF-style: chr12-132625761-C-A. GRCh37 (hg19) VCF-style: chr12-133202347-C-A.
Other names: short protein forms V2181F.
Identifiers: ClinVar variation 4703083 (VCV004703083.1).